The following is an entry in ClinVar:

ClinVar aggregate classification (germline): Uncertain significance (1 of 4 stars; one submission).

Conditions:
SEMA3G-related disorder. Also called: SEMA3G-related condition.

Submission:

PreventionGenetics, part of Exact Sciences
Classification: Uncertain significance for SEMA3G-related condition. Last evaluated: 2026-05-01. Review status: criteria provided, single submitter. Criteria: ACMG Guidelines, 2015. Collection method: clinical testing. Allele origin: germline.
Comment: The SEMA3G c.2214delA variant is predicted to result in a frameshift and premature protein termination (p.Gly739Alafs*22). To our knowledge, this variant has not been reported in the literature or in a large population database (gnomAD), indicating this variant is rare. Loss-of-function has not been established as a mechanism of disease for SEMA3G. At this time, the clinical significance of this variant is uncertain due to the absence of conclusive functional and genetic evidence.

NM_020163.3(SEMA3G):c.2214del (p.Gly739fs)

Gene: SEMA3G (semaphorin 3G; minus strand). Cytogenetic location: 3p21.1.
Variant type: Deletion.
Coding change: c.2214del on transcript NM_020163.3 (MANE Select); coding-DNA position 2214, one base deleted (A; older notation c.2214delA).
Protein change: p.Gly739fs; shifts the reading frame from glycine 739.
Molecular consequence: frameshift variant.
Genome position (GRCh38, 1-based): chr3:52,435,738, T deleted on the plus strand (A on the coding strand, the reverse complement: SEMA3G is on the minus strand). VCF-style (leftmost placement, unchanged base first): chr3-52435737-CT-C. GRCh37 (hg19) VCF-style: chr3-52469753-CT-C.
Other names: short protein forms G739fs.
Identifiers: ClinVar variation 4994184 (VCV004994184.1).